The following is an entry in ClinVar:

NM_018238.4(AGK):c.11T>G (p.Phe4Cys)

Gene: AGK (acylglycerol kinase; plus strand). Cytogenetic location: 7q34.
Variant type: single nucleotide variant.
Coding change: c.11T>G on transcript NM_018238.4 (MANE Select); coding-DNA position 11, T replaced by G.
Protein change: p.Phe4Cys; replaces phenylalanine 4 with cysteine.
Molecular consequence: missense variant.
Genome position (GRCh38, 1-based): chr7:141,555,477, T>G. VCF-style: chr7-141555477-T-G. GRCh37 (hg19) VCF-style: chr7-141255277-T-G.
Other names: c.11T>G, p.Phe4Cys (NM_001364948.3); short protein forms F4C.
Identifiers: ClinVar variation 3900481 (VCV003900481.1).

ClinVar aggregate classification (germline): Uncertain significance (1 of 4 stars; one submission).

Submission:

GeneDx
Classification: Uncertain significance. Last evaluated: 2024-11-22. Review status: criteria provided, single submitter. Criteria: GeneDx Variant Classification Process June 2021. Collection method: clinical testing. Allele origin: germline. Affected: yes.
Comment: Not observed at significant frequency in large population cohorts (gnomAD); In silico analysis indicates that this missense variant does not alter protein structure/function; Has not been previously published as pathogenic or benign to our knowledge